The following is an entry in ClinVar:

ClinVar aggregate classification (germline): Uncertain significance (1 of 4 stars; one submission).

Allele frequency attached by ClinVar (database versions not stated): TOPMed 0.00001.

Submission:

Labcorp Genetics (formerly Invitae), Labcorp
Classification: Uncertain significance. Last evaluated: 2022-07-19. Review status: criteria provided, single submitter. Criteria: Invitae Variant Classification Sherloc (09022015). Collection method: clinical testing. Allele origin: germline.
Comment: This sequence change replaces glutamine, which is neutral and polar, with arginine, which is basic and polar, at codon 120 of the KCNH1 protein (p.Gln120Arg). This variant is not present in population databases (gnomAD no frequency). This variant has not been reported in the literature in individuals affected with KCNH1-related conditions. ClinVar contains an entry for this variant (Variation ID: 1473724). Algorithms developed to predict the effect of missense changes on protein structure and function (SIFT, PolyPhen-2, Align-GVGD) all suggest that this variant is likely to be tolerated. In summary, the available evidence is currently insufficient to determine the role of this variant in disease. Therefore, it has been classified as a Variant of Uncertain Significance.

NM_172362.3(KCNH1):c.359A>G (p.Gln120Arg)

Gene: KCNH1 (potassium voltage-gated channel subfamily H member 1; minus strand). Cytogenetic location: 1q32.2.
Variant type: single nucleotide variant.
Coding change: c.359A>G on transcript NM_172362.3 (MANE Select); coding-DNA position 359, A replaced by G.
Protein change: p.Gln120Arg; replaces glutamine 120 with arginine.
Molecular consequence: missense variant.
Genome position (GRCh38, 1-based): chr1:211,090,642, T>C on the plus strand (A>G on the coding strand, the complement: KCNH1 is on the minus strand). VCF-style: chr1-211090642-T-C. GRCh37 (hg19) VCF-style: chr1-211263984-T-C.
Other names: c.359A>G, p.Gln120Arg (NM_002238.4); short protein forms Q120R.
Identifiers: ClinVar variation 1473724 (VCV001473724.9), dbSNP rs1460274748, ClinGen allele CA344875385.
Genomic context (GRCh38, chr1:211,090,642, plus strand): 5'-ATTGGCTGTTTGAAAGCTGTTATGTCACTGAAAGTGCAAAGAAATAAAACCACTTTATCC[T>C]GTTCGTTTCGAATTGGAGCAATTTTCACAAAGAACCACACAGGTGTCCCTGAAAGGAATA-3'
Protein context (NP_758872.1, residues 110-130): FVKIAPIRNE[Gln120Arg]DKVVLFLCTF